The following is an entry in ClinVar:

NM_000051.4(ATM):c.2649T>G (p.Asn883Lys)

Gene: ATM (ATM serine/threonine kinase; plus strand). Cytogenetic location: 11q22.3.
Variant type: single nucleotide variant.
Coding change: c.2649T>G on transcript NM_000051.4 (MANE Select); coding-DNA position 2649, T replaced by G.
Protein change: p.Asn883Lys; replaces asparagine 883 with lysine.
Molecular consequence: missense variant.
Genome position (GRCh38, 1-based): chr11:108,268,420, T>G. VCF-style: chr11-108268420-T-G. GRCh37 (hg19) VCF-style: chr11-108139147-T-G.
Other names: c.2649T>G, p.Asn883Lys (NM_001351834.2); short protein forms N883K.
Identifiers: ClinVar variation 482686 (VCV000482686.12), dbSNP rs1555083093, ClinGen allele CA382545015.
Genomic context (GRCh38, chr11:108,268,420, plus strand): 5'-ATGGCTGTTGTGCCCTTCTCTTAGTGTTAATGAGTGCTTTTTATTTTTAGGTGCCATTAA[T>G]CCTTTAGCTGAAGAATATCTGTCAAAGCAAGATCTACTTTTCTTAGACATGCTCAAGTTC-3'
Protein context (NP_000042.3, residues 873-893): GESQSTIGAI[Asn883Lys]PLAEEYLSKQ

ClinVar aggregate classification (germline): Uncertain significance. Review status: criteria provided, multiple submitters, no conflicts (2 of 4 stars). 2 submissions from 2 submitters: Uncertain significance (2). Last evaluated 2025-01-06.

Conditions:
Hereditary cancer-predisposing syndrome. Also called: Hereditary neoplastic syndrome; Neoplastic Syndromes, Hereditary; Tumor predisposition; Hereditary Cancer Syndrome. Identifiers: Orphanet 140162, MedGen C0027672, MeSH D009386, MONDO:0015356.
Ataxia-telangiectasia syndrome (AT). Also called: LOUIS-BAR SYNDROME; Cerebello-oculocutaneous telangiectasia; Immunodeficiency with ataxia telangiectasia; AT, COMPLEMENTATION GROUP C; Ataxia-telangiectasia, complementation group D; ATAXIA-TELANGIECTASIA, COMPLEMENTATION GROUP A. Identifiers: Orphanet 100, MedGen C0004135, MONDO:0008840, OMIM 208900.

Allele frequency attached by ClinVar (database versions not stated): gnomAD exomes below 0.00001.
gnomAD v4.1: 1 of 1,613,724 alleles (0.000062%); highest among the groups gnomAD compares: Middle Eastern, 0.017%; no homozygotes.

Submissions (2):

Labcorp Genetics (formerly Invitae), Labcorp
Classification: Uncertain significance for Ataxia-telangiectasia syndrome. Last evaluated: 2025-01-06. Review status: criteria provided, single submitter. Criteria: Invitae Variant Classification Sherloc (09022015). Collection method: clinical testing. Allele origin: germline.
Comment: This sequence change replaces asparagine, which is neutral and polar, with lysine, which is basic and polar, at codon 883 of the ATM protein (p.Asn883Lys). This variant is not present in population databases (gnomAD no frequency). This variant has not been reported in the literature in individuals affected with ATM-related conditions. ClinVar contains an entry for this variant (Variation ID: 482686). Invitae Evidence Modeling of protein sequence and biophysical properties (such as structural, functional, and spatial information, amino acid conservation, physicochemical variation, residue mobility, and thermodynamic stability) indicates that this missense variant is not expected to disrupt ATM protein function with a negative predictive value of 95%. In summary, the available evidence is currently insufficient to determine the role of this variant in disease. Therefore, it has been classified as a Variant of Uncertain Significance.

Ambry Genetics
Classification: Uncertain significance for Hereditary cancer-predisposing syndrome. Last evaluated: 2024-01-25. Review status: criteria provided, single submitter. Criteria: Ambry Variant Classification Scheme 2023. Collection method: clinical testing. Allele origin: germline.
Comment: The p.N883K variant (also known as c.2649T>G), located in coding exon 17 of the ATM gene, results from a T to G substitution at nucleotide position 2649. The asparagine at codon 883 is replaced by lysine, an amino acid with similar properties. This amino acid position is not well conserved in available vertebrate species. In addition, this alteration is predicted to be tolerated by in silico analysis. Since supporting evidence is limited at this time, the clinical significance of this alteration remains unclear.